The following is an entry in ClinVar:

NM_001375808.2(LPIN2):c.*1502G>A

Gene: LPIN2 (lipin 2; minus strand). Cytogenetic location: 18p11.31.
Variant type: single nucleotide variant.
Coding change: c.*1502G>A on transcript NM_001375808.2 (MANE Select); 1502 bases downstream of the stop codon, G replaced by A.
Molecular consequence: 3 prime UTR variant.
Genome position (GRCh38, 1-based): chr18:2,918,791, C>T on the plus strand (G>A on the coding strand, the complement: LPIN2 is on the minus strand). VCF-style: chr18-2918791-C-T. GRCh37 (hg19) VCF-style: chr18-2918789-C-T.
Other names: c.*1502G>A (NM_001375809.1, NM_014646.2).
Identifiers: ClinVar variation 326585 (VCV000326585.6), dbSNP rs113346639, ClinGen allele CA10641232.
Genomic context (GRCh38, chr18:2,918,791, plus strand): 5'-AAATCAGTCAGGGACTTTCAACTCTCCAATCTGGAAAAATAACCACCCCTATTTCTCTAT[C>T]TCTAGATCAGCATTATTTTAGGTGAAGCAAACTAAAACATGTAGAGGTTCCACTACAACG-3'

ClinVar aggregate classification (germline): Benign. Review status: criteria provided, multiple submitters, no conflicts (2 of 4 stars). 2 submissions from 2 submitters: Benign (2). Last evaluated 2018-01-13.

Conditions:
Majeed syndrome (MJDS). Also called: CHRONIC RECURRENT MULTIFOCAL OSTEOMYELITIS 1, WITH CONGENITAL DYSERYTHROPOIETIC ANEMIA, WITH OR WITHOUT NEUTROPHILIC DERMATOSIS; LPIN2-Related Majeed Syndrome. Identifiers: Orphanet 77297, MedGen C1864997, MONDO:0012316, OMIM 609628.

Allele frequency attached by ClinVar (database versions not stated): 1000 Genomes Project 30x 0.00547; 1000 Genomes Project 0.00559; TOPMed 0.01210; gnomAD 0.01378 and 0.01434.

Submissions (2):

Illumina Laboratory Services, Illumina
Classification: Benign for Majeed syndrome. Last evaluated: 2018-01-13. Review status: criteria provided, single submitter. Criteria: ICSL Variant Classification Criteria 13 December 2019. Collection method: clinical testing. Allele origin: germline.
Comment: This variant was observed in the ICSL laboratory as part of a predisposition screen in an ostensibly healthy population. It had not been previously curated by ICSL or reported in the Human Gene Mutation Database (HGMD: prior to June 1st, 2018), and was therefore a candidate for classification through an automated scoring system. Utilizing variant allele frequency, disease prevalence and penetrance estimates, and inheritance mode, an automated score was calculated to assess if this variant is too frequent to cause the disease. Based on the score and internal cut-off values, a variant classified as benign is not then subjected to further curation. The score for this variant resulted in a classification of benign for this disease.

Breakthrough Genomics
Classification: Benign. Review status: criteria provided, single submitter. Criteria: ACMG Guidelines, 2015. Collection method: not provided. Allele origin: germline. Inheritance: Unknown mechanism. Affected: yes.